The following is an entry in ClinVar:

ClinVar aggregate classification (germline): Pathogenic. Review status: criteria provided, multiple submitters, no conflicts (2 of 4 stars). 5 submissions from 5 submitters: Pathogenic (5). Last evaluated 2025-11-05.

Conditions:
Netherton syndrome (NETH). Also called: NETHERTON DISEASE; ERYTHRODERMA, ICHTHYOSIFORM, WITH HYPOTRICHOSIS AND HYPER-IgE; COMEL-NETHERTON SYNDROME. Identifiers: Orphanet 634, MedGen C5574950, MONDO:0009735, OMIM 256500.
Ichthyosis linearis circumflexa. Identifiers: MedGen C0265962, MONDO:0043106, HP:0025810.

Allele frequency attached by ClinVar (database versions not stated): ExAC 0.00002; gnomAD 0.00002; gnomAD exomes 0.00002; TOPMed 0.00003; ESP Exome Variant Server 0.00017.
gnomAD v4.1: 32 of 1,611,084 alleles (0.002%); highest among the groups gnomAD compares: Non-Finnish European, 0.0018%; no homozygotes.

Submissions (5):

Dasa
Classification: Pathogenic. Last evaluated: 2025-11-05. Review status: criteria provided, single submitter. Criteria: DASA Assertion Criteria. Collection method: clinical testing. Allele origin: germline.
Comment: NM_006846.4(SPINK5):c.649C>T (p.Arg217*) introduces a premature termination codon predicted to result in loss of normal protein function. Loss-of-function is an established mechanism of disease for this gene. This variant has been observed in affected individuals with related phenotype in a genotype context consistent with recessive disease (PMID: 21692842; PMID: 11841556). This variant has been recurrently observed in individuals with related phenotype (PMID: 21692842; PMID: 11841556). The variant is present at low frequency in population datasets. Based on the available data, this variant is classified as pathogenic.

GeneDx
Classification: Pathogenic. Last evaluated: 2025-06-02. Review status: criteria provided, single submitter. Criteria: GeneDx Variant Classification Process June 2021. Collection method: clinical testing. Allele origin: germline. Affected: yes.
Comment: Nonsense variant predicted to result in protein truncation or nonsense mediated decay in a gene for which loss of function is a known mechanism of disease; This variant is associated with the following publications: (PMID: 27905021, 25525159, 11841556, 25710899, 21692842, 30487145, 36140582, 36672710, 39036217)

Labcorp Genetics (formerly Invitae), Labcorp
Classification: Pathogenic for Ichthyosis linearis circumflexa. Last evaluated: 2025-03-31. Review status: criteria provided, single submitter. Criteria: Invitae Variant Classification Sherloc (09022015). Collection method: clinical testing. Allele origin: germline.
Comment: This sequence change creates a premature translational stop signal (p.Arg217*) in the SPINK5 gene. It is expected to result in an absent or disrupted protein product. Loss-of-function variants in SPINK5 are known to be pathogenic (PMID: 11511292, 11841556). This variant is present in population databases (rs367958902, gnomAD 0.03%). This premature translational stop signal has been observed in individual(s) with Netherton syndrome (PMID: 11841556). ClinVar contains an entry for this variant (Variation ID: 523773). For these reasons, this variant has been classified as Pathogenic.

Fulgent Genetics
Classification: Pathogenic for Netherton syndrome. Last evaluated: 2024-05-09. Review status: criteria provided, single submitter. Criteria: ACMG Guidelines, 2015. Collection method: clinical testing. Allele origin: germline.

Department of Pathology and Laboratory Medicine, Sinai Health System
Classification: Pathogenic for Netherton syndrome. Last evaluated: 2023-09-12. Review status: criteria provided, single submitter. Criteria: ACMG Guidelines, 2015. Collection method: research. Allele origin: germline.

Literature cited by the submitters: PubMed 21692842 (cited by Dasa); PubMed 11841556 (cited by Dasa and Labcorp Genetics (formerly Invitae), Labcorp); PubMed 11511292 (cited by Labcorp Genetics (formerly Invitae), Labcorp).

NM_006846.4(SPINK5):c.649C>T (p.Arg217Ter)

Gene: SPINK5 (serine peptidase inhibitor Kazal type 5; plus strand). Cytogenetic location: 5q32.
Variant type: single nucleotide variant.
Coding change: c.649C>T on transcript NM_006846.4 (MANE Select); coding-DNA position 649, C replaced by T.
Protein change: p.Arg217Ter; replaces arginine 217 with a stop codon.
Molecular consequence: nonsense.
Genome position (GRCh38, 1-based): chr5:148,091,211, C>T. VCF-style: chr5-148091211-C-T. GRCh37 (hg19) VCF-style: chr5-147470774-C-T.
Other names: c.649C>T, p.Arg217Ter (NM_001127699.2, NM_001127698.2); short protein forms R217*.
Identifiers: ClinVar variation 523773 (VCV000523773.16), dbSNP rs367958902, ClinGen allele CA3495297.